The following is an entry in ClinVar:

NM_000395.3(CSF2RB):c.2690G>T (p.Cys897Phe)

Gene: CSF2RB (colony stimulating factor 2 receptor subunit beta; plus strand). Cytogenetic location: 22q12.3.
Variant type: single nucleotide variant.
Coding change: c.2690G>T on transcript NM_000395.3 (MANE Select); coding-DNA position 2690, G replaced by T.
Protein change: p.Cys897Phe; replaces cysteine 897 with phenylalanine.
Molecular consequence: missense variant.
Genome position (GRCh38, 1-based): chr22:36,938,498, G>T. VCF-style: chr22-36938498-G-T. GRCh37 (hg19) VCF-style: chr22-37334540-G-T.
Other names: c.2708G>T, p.Cys903Phe (NM_001410827.1); short protein forms C897F, C903F.
Identifiers: ClinVar variation 2986736 (VCV002986736.3), dbSNP rs557905082, ClinGen allele CA10214176.

ClinVar aggregate classification (germline): Uncertain significance (1 of 4 stars; one submission).

Allele frequency attached by ClinVar (database versions not stated): gnomAD 0.00002; ExAC 0.00013; 1000 Genomes Project 30x 0.00016; 1000 Genomes Project 0.00020.
gnomAD v4.1: 49 of 1,611,730 alleles (0.003%); highest among the groups gnomAD compares: South Asian, 0.052%; no homozygotes.

Submission:

Labcorp Genetics (formerly Invitae), Labcorp
Classification: Uncertain significance. Last evaluated: 2022-12-07. Review status: criteria provided, single submitter. Criteria: Invitae Variant Classification Sherloc (09022015). Collection method: clinical testing. Allele origin: germline.
Comment: In summary, the available evidence is currently insufficient to determine the role of this variant in disease. Therefore, it has been classified as a Variant of Uncertain Significance. Algorithms developed to predict the effect of missense changes on protein structure and function are either unavailable or do not agree on the potential impact of this missense change (SIFT: "Tolerated"; PolyPhen-2: "Probably Damaging"; Align-GVGD: "Class C0"). This variant has not been reported in the literature in individuals affected with CSF2RB-related conditions. This variant is present in population databases (rs557905082, gnomAD 0.07%), and has an allele count higher than expected for a pathogenic variant. This sequence change replaces cysteine, which is neutral and slightly polar, with phenylalanine, which is neutral and non-polar, at codon 897 of the CSF2RB protein (p.Cys897Phe).